The following is an entry in ClinVar:

ClinVar aggregate classification (germline): Uncertain significance. Review status: criteria provided, multiple submitters, no conflicts (2 of 4 stars). 3 submissions from 3 submitters: Uncertain significance (3). Last evaluated 2024-09-04.

Conditions:
Congenital contractural arachnodactyly (CCA). Also called: Beals-Hecht syndrome; BEALS SYNDROME; Arthrogryposis, distal, type 9. Identifiers: Orphanet 115, MedGen C0220668, MONDO:0007363, OMIM 121050.
Familial thoracic aortic aneurysm and aortic dissection (TAAD). Also called: Thoracic aortic aneurysms and dissections. Identifiers: Orphanet 91387, MedGen C4707243, MONDO:0019625.

Allele frequency attached by ClinVar (database versions not stated): gnomAD 0.00001; TOPMed 0.00001.
gnomAD v4.1: 5 of 1,607,426 alleles (0.00031%); highest among the groups gnomAD compares: Non-Finnish European, 0.00042%; no homozygotes.

Submissions (3):

Women's Health and Genetics/Laboratory Corporation of America, LabCorp
Classification: Uncertain significance. Last evaluated: 2024-09-04. Review status: criteria provided, single submitter. Criteria: LabCorp Variant Classification Summary - May 2015. Collection method: clinical testing. Allele origin: germline.
Comment: Variant summary: FBN2 c.16A>T (p.Arg6Trp) results in a non-conservative amino acid change in the encoded protein sequence. Three of five in-silico tools predict a benign effect of the variant on protein function. The variant allele was found at a frequency of 3.1e-06 in 1607426 control chromosomes (gnomAD database v4). The available data on variant occurrences in the general population are insufficient to allow any conclusion about variant significance. To our knowledge, no occurrence of c.16A>T in individuals affected with Aortopathy and no experimental evidence demonstrating its impact on protein function have been reported. ClinVar contains an entry for this variant (Variation ID: 2725886). Based on the evidence outlined above, the variant was classified as uncertain significance.

Ambry Genetics
Classification: Uncertain significance for Familial thoracic aortic aneurysm and aortic dissection. Last evaluated: 2024-08-28. Review status: criteria provided, single submitter. Criteria: Ambry Variant Classification Scheme 2023. Collection method: clinical testing. Allele origin: germline.
Comment: The p.R6W variant (also known as c.16A>T), located in coding exon 1 of the FBN2 gene, results from an A to T substitution at nucleotide position 16. The arginine at codon 6 is replaced by tryptophan, an amino acid with dissimilar properties. This amino acid position is well conserved in available vertebrate species. In addition, the in silico prediction for this alteration is inconclusive. Based on the available evidence, the clinical significance of this variant remains unclear.

Labcorp Genetics (formerly Invitae), Labcorp
Classification: Uncertain significance for Congenital contractural arachnodactyly. Last evaluated: 2023-05-03. Review status: criteria provided, single submitter. Criteria: Invitae Variant Classification Sherloc (09022015). Collection method: clinical testing. Allele origin: germline.
Comment: In summary, the available evidence is currently insufficient to determine the role of this variant in disease. Therefore, it has been classified as a Variant of Uncertain Significance. Advanced modeling of protein sequence and biophysical properties (such as structural, functional, and spatial information, amino acid conservation, physicochemical variation, residue mobility, and thermodynamic stability) performed at Invitae indicates that this missense variant is not expected to disrupt FBN2 protein function. This missense change has been observed in individual(s) with thoracic aortic aneurysm and dissection (Invitae). This variant is not present in population databases (gnomAD no frequency). This sequence change replaces arginine, which is basic and polar, with tryptophan, which is neutral and slightly polar, at codon 6 of the FBN2 protein (p.Arg6Trp).

NM_001999.4(FBN2):c.16A>T (p.Arg6Trp)

Gene: FBN2 (fibrillin 2; minus strand). Cytogenetic location: 5q23.3.
Variant type: single nucleotide variant.
Coding change: c.16A>T on transcript NM_001999.4 (MANE Select); coding-DNA position 16, A replaced by T.
Protein change: p.Arg6Trp; replaces arginine 6 with tryptophan.
Molecular consequence: missense variant.
Genome position (GRCh38, 1-based): chr5:128,537,588, T>A on the plus strand (A>T on the coding strand, the complement: FBN2 is on the minus strand). VCF-style: chr5-128537588-T-A. GRCh37 (hg19) VCF-style: chr5-127873281-T-A.
Other names: c.16A>T (NM_001999.3); short protein forms R6W.
Identifiers: ClinVar variation 2725886 (VCV002725886.5), dbSNP rs1421758738, ClinGen allele CA360763578.